The following is an entry in ClinVar:

NM_001060.6(TBXA2R):c.*695A>G

Gene: TBXA2R (thromboxane A2 receptor; minus strand). Cytogenetic location: 19p13.3.
Variant type: single nucleotide variant.
Coding change: c.*695A>G on transcript NM_001060.6 (MANE Select); 695 bases downstream of the stop codon, A replaced by G.
Molecular consequence: 3 prime UTR variant. On other transcripts: missense variant (1).
Genome position (GRCh38, 1-based): chr19:3,594,993, T>C on the plus strand (A>G on the coding strand, the complement: TBXA2R is on the minus strand). VCF-style: chr19-3594993-T-C. GRCh37 (hg19) VCF-style: chr19-3594991-T-C.
Other names: c.1067A>G, p.Asp356Gly (NM_201636.3); short protein forms D356G.
Identifiers: ClinVar variation 3901372 (VCV003901372.1).

ClinVar aggregate classification (germline): Uncertain significance (1 of 4 stars; one submission).

Submission:

GeneDx
Classification: Uncertain significance. Last evaluated: 2024-12-04. Review status: criteria provided, single submitter. Criteria: GeneDx Variant Classification Process June 2021. Collection method: clinical testing. Allele origin: germline. Affected: yes.
Comment: Not observed at significant frequency in large population cohorts (gnomAD); In silico analysis indicates that this missense variant does not alter protein structure/function; Has not been previously published as pathogenic or benign to our knowledge; Reported using an alternate transcript of the gene